The following is an entry in ClinVar:

NM_001267550.2(TTN):c.38409del (p.Glu12804fs)

Gene: TTN (titin; minus strand). Cytogenetic location: 2q31.2.
Variant type: Deletion.
Coding change: c.38409del on transcript NM_001267550.2 (MANE Select); coding-DNA position 38409, one base deleted (A; older notation c.38409delA).
Protein change: p.Glu12804fs; shifts the reading frame from glutamic acid 12804.
Molecular consequence: frameshift variant. On other transcripts: intron variant (5).
Genome position (GRCh38, 1-based): chr2:178,654,067, T deleted on the plus strand (A on the coding strand, the reverse complement: TTN is on the minus strand). VCF-style (leftmost placement, unchanged base first): chr2-178654066-CT-C. GRCh37 (hg19) VCF-style: chr2-179518793-CT-C.
Other names: c.13283-11750del (NM_003319.4); c.13859-11750del (NM_133437.4); c.13658-11750del (NM_133432.3); c.31742-1526del (NM_133378.4); c.34523-1526del (NM_001256850.1); short protein forms E12804fs.
Identifiers: ClinVar variation 1339493 (VCV001339493.3), dbSNP rs1470726150, ClinGen allele CA761297354.

ClinVar aggregate classification (germline): Likely pathogenic (1 of 4 stars; one submission).

Conditions:
TTN-related disorder. Also called: TTN-related condition; TTN-related disease; TTN-related disorders.

Allele frequency attached by ClinVar (database versions not stated): gnomAD exomes below 0.00001; TOPMed 0.00001.

Submission:

Dasa
Classification: Likely pathogenic. Last evaluated: 2022-02-05. Review status: criteria provided, single submitter. Criteria: ACMG Guidelines, 2015. Collection method: clinical testing. Allele origin: germline. Affected: yes. Observed: 1 variant allele.
Comment: The c.38409del;p.(Glu12804Lysfs*143) is a null frameshift variant (NMD) in the TTN gene and predicts alteration of the nonsense-mediate decay - NMD is present in a relevant exon to the transcript - PVS1. This variant is not present in population databases (rs1470726150, gnomAD; ABraOM no frequency) - PM2. In summary, the currently available evidence indicates that the variant is likely pathogenic.